The following is an entry in ClinVar:

ClinVar aggregate classification (germline): Uncertain significance (1 of 4 stars; one submission).

gnomAD v4.1: 2 of 1,611,688 alleles (0.00012%); highest among the groups gnomAD compares: Non-Finnish European, 0.00017%; no homozygotes.

Submission:

GeneDx
Classification: Uncertain significance. Last evaluated: 2025-04-30. Review status: criteria provided, single submitter. Criteria: GeneDx Variant Classification Process June 2021. Collection method: clinical testing. Allele origin: germline. Affected: yes.
Comment: Not observed at significant frequency in large population cohorts (gnomAD); In silico analysis supports a deleterious effect on splicing; Has not been previously published as pathogenic or benign to our knowledge

NM_024740.2(ALG9):c.1185G>T (p.Leu395=)

Gene: ALG9 (ALG9 alpha-1,2-mannosyltransferase; minus strand). Cytogenetic location: 11q23.1.
Variant type: single nucleotide variant.
Coding change: c.1185G>T on transcript NM_024740.2 (MANE Select); coding-DNA position 1185, G replaced by T.
Protein change: p.Leu395=; no amino-acid change (leucine 395 retained).
Molecular consequence: synonymous variant. On other transcripts: non-coding transcript variant (1), intron variant (15).
Genome position (GRCh38, 1-based): chr11:111,838,388, C>A on the plus strand (G>T on the coding strand, the complement: ALG9 is on the minus strand). VCF-style: chr11-111838388-C-A. GRCh37 (hg19) VCF-style: chr11-111709111-C-A.
Other names: c.672G>T, p.Leu224= (NM_001077691.2, NM_001352413.1, NM_001352414.2 and 1 more transcripts); c.1185G>T, p.Leu395= (NM_001441203.1, NM_001441204.1); c.1062G>T, p.Leu354= (NM_001441206.1); c.661-10G>T (NM_001352409.1, NM_001352410.1, NM_001352412.2 and 6 more transcripts); c.1051-10G>T (NM_001352418.1); c.1174-10G>T (NM_001352417.1, NM_001077690.1, NM_001441205.1); c.586-10G>T (NM_001352422.2); c.538-10G>T (NM_001352423.2).
Identifiers: ClinVar variation 4527279 (VCV004527279.1).